The following is an entry in ClinVar:

ClinVar aggregate classification (germline): Uncertain significance (1 of 4 stars; one submission).

Submission:

Labcorp Genetics (formerly Invitae), Labcorp
Classification: Uncertain significance. Last evaluated: 2022-09-13. Review status: criteria provided, single submitter. Criteria: Invitae Variant Classification Sherloc (09022015). Collection method: clinical testing. Allele origin: germline.
Comment: In summary, the available evidence is currently insufficient to determine the role of this variant in disease. Therefore, it has been classified as a Variant of Uncertain Significance. Advanced modeling of protein sequence and biophysical properties (such as structural, functional, and spatial information, amino acid conservation, physicochemical variation, residue mobility, and thermodynamic stability) performed at Invitae indicates that this missense variant is not expected to disrupt COL11A2 protein function. ClinVar contains an entry for this variant (Variation ID: 1384541). This variant has not been reported in the literature in individuals affected with COL11A2-related conditions. This variant is not present in population databases (gnomAD no frequency). This sequence change replaces proline, which is neutral and non-polar, with serine, which is neutral and polar, at codon 55 of the COL11A2 protein (p.Pro55Ser).

NM_080680.3(COL11A2):c.163C>T (p.Pro55Ser)

Gene: COL11A2 (collagen type XI alpha 2 chain; minus strand). Cytogenetic location: 6p21.32.
Variant type: single nucleotide variant.
Coding change: c.163C>T on transcript NM_080680.3 (MANE Select); coding-DNA position 163, C replaced by T.
Protein change: p.Pro55Ser; replaces proline 55 with serine.
Molecular consequence: missense variant.
Genome position (GRCh38, 1-based): chr6:33,189,389, G>A on the plus strand (C>T on the coding strand, the complement: COL11A2 is on the minus strand). VCF-style: chr6-33189389-G-A. GRCh37 (hg19) VCF-style: chr6-33157166-G-A.
Other names: c.163C>T, p.Pro55Ser (NM_001163771.2, NM_080679.3, NM_080681.3); short protein forms P55S.
Identifiers: ClinVar variation 1384541 (VCV001384541.6), dbSNP rs1772828091, ClinGen allele CA363613224.